The following is an entry in ClinVar:

NM_001029896.2(WDR45):c.56-12T>A

Genes: WDR45 (WD repeat domain 45; minus strand), LOC126863256 (BRD4-independent group 4 enhancer GRCh37_chrX:48934848-48936047; plus strand). Cytogenetic location: Xp11.23.
Variant type: single nucleotide variant.
Coding change: c.56-12T>A on transcript NM_001029896.2 (MANE Select); 12 bases into the intron before coding-DNA position 56, T replaced by A.
Molecular consequence: intron variant.
Genome position (GRCh38, 1-based): chrX:49,077,923, A>T on the plus strand (T>A on the coding strand, the complement: WDR45 is on the minus strand). VCF-style: chrX-49077923-A-T. GRCh37 (hg19) VCF-style: chrX-48935582-A-T.
Other names: c.56-12T>A (NM_007075.4).
Identifiers: ClinVar variation 385444 (VCV000385444.1), dbSNP rs782407000, ClinGen allele CA10408630.
Genomic context (GRCh38, chrX:49,077,923, plus strand): 5'-TCCACGTTGTAGATGCGCACACCTGTCTCCATGGCGCAGCAAAAGCAGCCTGGGGGATGG[A>T]AGGAATCCAGACTGCCTTAAAGAATGCCCAGGTAGGAAGCTGGGGGCCCATGGCCCACTT-3'

ClinVar aggregate classification (germline): Likely benign (1 of 4 stars; one submission).

Allele frequency attached by ClinVar (database versions not stated): gnomAD exomes below 0.00001 and 0.00001; ExAC 0.00001.
gnomAD v4.1: 2 of 1,211,708 alleles (0.00017%); highest among the groups gnomAD compares: Non-Finnish European, 0.00011%; no homozygotes.

Submission:

GeneDx
Classification: Likely benign. Last evaluated: 2016-05-04. Review status: criteria provided, single submitter. Criteria: GeneDx Variant Classification (06012015). Collection method: clinical testing. Allele origin: germline. Affected: yes.
Comment: This variant is considered likely benign or benign based on one or more of the following criteria: it is a conservative change, it occurs at a poorly conserved position in the protein, it is predicted to be benign by multiple in silico algorithms, and/or has population frequency not consistent with disease.